The following is an entry in ClinVar:

NM_145728.3(SYNM):c.2294C>T (p.Ser765Phe)

Gene: SYNM (synemin; plus strand). Cytogenetic location: 15q26.3.
Variant type: single nucleotide variant.
Coding change: c.2294C>T on transcript NM_145728.3 (MANE Select); coding-DNA position 2294, C replaced by T.
Protein change: p.Ser765Phe; replaces serine 765 with phenylalanine.
Molecular consequence: missense variant.
Genome position (GRCh38, 1-based): chr15:99,130,654, C>T. VCF-style: chr15-99130654-C-T. GRCh37 (hg19) VCF-style: chr15-99670859-C-T.
Other names: c.2294C>T, p.Ser765Phe (NM_015286.6); short protein forms S765F.
Identifiers: ClinVar variation 2589522 (VCV002589522.4), dbSNP rs2543114978, ClinGen allele CA393660135.
Genomic context (GRCh38, chr15:99,130,654, plus strand): 5'-ACGTGGAGATCGTGGAGGAGCCCGTGAGTTATGTCAGCGGGGAGAAGCCGGAGGAGTTTT[C>T]CGTCCCATTCAAAGTGGAGGAGGTCGAAGATGTGTCGCCAGGCCCCTGGGGGTTGGTTAA-3'
Protein context (NP_663780.2, residues 755-775): YVSGEKPEEF[Ser765Phe]VPFKVEEVED

ClinVar aggregate classification (germline): Conflicting classifications of pathogenicity. Review status: criteria provided, conflicting classifications (1 of 4 stars). 2 submissions from 2 submitters: Uncertain significance (1); Likely benign (1). Last evaluated 2025-10-15.

Conditions:
SYNM-related disorder. Also called: SYNM-related condition.

Submissions (2):

Ambry Genetics
Classification: Uncertain significance. Last evaluated: 2025-10-15. Review status: criteria provided, single submitter. Criteria: Ambry Variant Classification Scheme 2023. Collection method: clinical testing. Allele origin: germline.

PreventionGenetics, part of Exact Sciences
Classification: Likely benign for SYNM-related condition. Last evaluated: 2019-06-18. Review status: criteria provided, single submitter. Criteria: ACMG Guidelines, 2015. Collection method: clinical testing. Allele origin: germline.
Comment: This variant is classified as likely benign based on ACMG/AMP sequence variant interpretation guidelines (Richards et al. 2015 PMID: 25741868, with internal and published modifications).